The following is an entry in ClinVar:

NM_006180.6(NTRK2):c.2241G>A (p.Thr747=)

Gene: NTRK2 (neurotrophic receptor tyrosine kinase 2; plus strand). Cytogenetic location: 9q21.33.
Variant type: single nucleotide variant.
Coding change: c.2241G>A on transcript NM_006180.6 (MANE Select); coding-DNA position 2241, G replaced by A.
Protein change: p.Thr747=; no amino-acid change (threonine 747 retained).
Molecular consequence: synonymous variant.
Genome position (GRCh38, 1-based): chr9:85,020,274, G>A. VCF-style: chr9-85020274-G-A. GRCh37 (hg19) VCF-style: chr9-87635189-G-A.
Other names: c.2193G>A, p.Thr731= (NM_001018064.3, NM_001369532.1, NM_001369533.1); c.2157G>A, p.Thr719= (NM_001369534.1); c.1725G>A, p.Thr575= (NM_001369535.1); c.1773G>A, p.Thr591= (NM_001369536.1); c.2241G>A, p.Thr747= (NM_001381928.1).
Identifiers: ClinVar variation 3045863 (VCV003045863.4), dbSNP rs202195780, ClinGen allele CA5105955.

ClinVar aggregate classification (germline): Likely benign. Review status: criteria provided, single submitter (1 of 4 stars). 2 submissions from 2 submitters: Likely benign (1). 1 of the submissions does not count toward it. Last evaluated 2024-07-18.

Conditions:
NTRK2-related disorder. Also called: NTRK2-related condition.

Allele frequency attached by ClinVar (database versions not stated): 1000 Genomes Project 30x 0.00016; 1000 Genomes Project 0.00020.
gnomAD v4.1: 8 of 1,614,056 alleles (0.0005%); highest among the groups gnomAD compares: Middle Eastern, 0.033%; no homozygotes.

Submissions (2):

Labcorp Genetics (formerly Invitae), Labcorp
Classification: Likely benign. Last evaluated: 2024-07-18. Review status: criteria provided, single submitter. Criteria: Invitae Variant Classification Sherloc (09022015). Collection method: clinical testing. Allele origin: germline.

PreventionGenetics, part of Exact Sciences
Classification: Likely benign for NTRK2-related condition. Last evaluated: 2019-11-05. Review status: no assertion criteria provided. Collection method: clinical testing. Allele origin: germline. Not counted in ClinVar's aggregate classification.
Comment: This variant is classified as likely benign based on ACMG/AMP sequence variant interpretation guidelines (Richards et al. 2015 PMID: 25741868, with internal and published modifications).